The following is an entry in ClinVar:

ClinVar aggregate classification (germline): Uncertain significance (1 of 4 stars; one submission).

Conditions:
TRPC5-related disorder. Also called: TRPC5-related condition.

gnomAD v4.1: 3 of 1,203,645 alleles (0.00025%); highest among the groups gnomAD compares: Non-Finnish European, 0.00034%; no homozygotes.

Submission:

PreventionGenetics, part of Exact Sciences
Classification: Uncertain significance for TRPC5-related condition. Last evaluated: 2026-03-03. Review status: criteria provided, single submitter. Criteria: ACMG Guidelines, 2015. Collection method: clinical testing. Allele origin: germline.
Comment: The TRPC5 c.436A>T variant is predicted to result in the amino acid substitution p.Ile146Phe. To our knowledge, this variant has not been reported in the literature. This variant is reported in 0.0012% of alleles in individuals of European (Non-Finnish) descent in gnomAD. At this time, the clinical significance of this variant is uncertain due to the absence of conclusive functional and genetic evidence.

NM_012471.3(TRPC5):c.436A>T (p.Ile146Phe)

Gene: TRPC5 (transient receptor potential cation channel subfamily C member 5; minus strand). Cytogenetic location: Xq23.
Variant type: single nucleotide variant.
Coding change: c.436A>T on transcript NM_012471.3 (MANE Select); coding-DNA position 436, A replaced by T.
Protein change: p.Ile146Phe; replaces isoleucine 146 with phenylalanine.
Molecular consequence: missense variant.
Genome position (GRCh38, 1-based): chrX:111,912,755, T>A on the plus strand (A>T on the coding strand, the complement: TRPC5 is on the minus strand). VCF-style: chrX-111912755-T-A. GRCh37 (hg19) VCF-style: chrX-111155983-T-A.
Other names: short protein forms I146F.
Identifiers: ClinVar variation 4994850 (VCV004994850.1).
Genomic context (GRCh38, chrX:111,912,755, plus strand): 5'-CCCGTTTTTGGACAAGCAATTTGATGATTTCGTAGTTGTTGGTGTGGGCAGCCAGCATGA[T>A]GGGAGTGATGTCCGGTGTGAATTCAGAGAACTGCGTGTCCATCATCAGAGTGGGGACCTA-3'
Protein context (NP_036603.1, residues 136-156): FSEFTPDITP[Ile146Phe]MLAAHTNNYE